The following is an entry in ClinVar:

NM_153717.3(EVC):c.1494del (p.Arg498fs)

Gene: EVC (EvC ciliary complex subunit 1; plus strand). Cytogenetic location: 4p16.2.
Variant type: Deletion.
Coding change: c.1494del on transcript NM_153717.3 (MANE Select); coding-DNA position 1494, one base deleted (G; older notation c.1494delG).
Protein change: p.Arg498fs; shifts the reading frame from arginine 498.
Molecular consequence: frameshift variant.
Genome position (GRCh38, 1-based): chr4:5,756,293, G deleted; the last of 2 consecutive G bases (chr4:5,756,292-5,756,293); deleting either gives the same sequence. VCF-style (leftmost placement, unchanged base first): chr4-5756291-AG-A. GRCh37 (hg19) VCF-style: chr4-5758018-AG-A.
Other names: c.1494del, p.Arg498fs (NM_001306090.2, NM_001306092.2); short protein forms R498fs.
Identifiers: ClinVar variation 1072476 (VCV001072476.8), dbSNP rs2152094799, ClinGen allele CA2499217318.

ClinVar aggregate classification (germline): Pathogenic (1 of 4 stars; one submission).

Conditions:
Curry-Hall syndrome (WAD). Also called: WEYERS ACRODENTAL DYSOSTOSIS. Identifiers: Orphanet 952, MedGen C0457013, MONDO:0008673, OMIM 193530.
Ellis-van Creveld syndrome (EVC). Also called: EVC-Related Ellis-van Creveld Syndrome; EVC2-Related Ellis-van Creveld Syndrome; MESOECTODERMAL DYSPLASIA; Chondroectodermal dysplasia. Identifiers: Orphanet 289, MedGen C0013903, MONDO:0009162, OMIM 225500.

Submission:

Labcorp Genetics (formerly Invitae), Labcorp
Classification: Pathogenic for Curry-Hall syndrome; Ellis-van Creveld syndrome. Last evaluated: 2022-04-11. Review status: criteria provided, single submitter. Criteria: Invitae Variant Classification Sherloc (09022015). Collection method: clinical testing. Allele origin: germline.
Comment: For these reasons, this variant has been classified as Pathogenic. ClinVar contains an entry for this variant (Variation ID: 1072476). This variant has not been reported in the literature in individuals affected with EVC-related conditions. This variant is not present in population databases (gnomAD no frequency). This sequence change creates a premature translational stop signal (p.Arg498Serfs*2) in the EVC gene. It is expected to result in an absent or disrupted protein product. Loss-of-function variants in EVC are known to be pathogenic (PMID: 23220543).

Literature cited by the submitters: PubMed 23220543.